The following is an entry in ClinVar:

NM_000719.7(CACNA1C):c.3483C>G (p.Phe1161Leu)

Gene: CACNA1C (calcium voltage-gated channel subunit alpha1 C; plus strand). Cytogenetic location: 12p13.33.
Variant type: single nucleotide variant.
Coding change: c.3483C>G on transcript NM_000719.7 (MANE Select); coding-DNA position 3483, C replaced by G.
Protein change: p.Phe1161Leu; replaces phenylalanine 1161 with leucine.
Molecular consequence: missense variant.
Genome position (GRCh38, 1-based): chr12:2,608,637, C>G. VCF-style: chr12-2608637-C-G. GRCh37 (hg19) VCF-style: chr12-2717803-C-G.
Other names: c.3543C>G, p.Phe1181Leu (NM_001129827.2, NM_001129832.2, NM_199460.4); c.3483C>G, p.Phe1161Leu (NM_001129829.2, NM_001129830.3, NM_001129831.2 and 15 more transcripts); c.3474C>G, p.Phe1158Leu (NM_001129844.2); short protein forms F1158L, F1161L, F1181L.
Identifiers: ClinVar variation 2662188 (VCV002662188.1), dbSNP rs367790910, ClinGen allele CA383375514.

ClinVar aggregate classification (germline): Uncertain significance (1 of 4 stars; one submission).

Submission:

GeneDx
Classification: Uncertain significance. Last evaluated: 2023-05-03. Review status: criteria provided, single submitter. Criteria: GeneDx Variant Classification Process June 2021. Collection method: clinical testing. Allele origin: germline. Affected: yes.
Comment: Not observed at significant frequency in large population cohorts (gnomAD); In silico analysis supports that this missense variant has a deleterious effect on protein structure/function; Has not been previously published as pathogenic or benign to our knowledge